The following is an entry in ClinVar:

ClinVar aggregate classification (germline): Uncertain significance. Review status: criteria provided, multiple submitters, no conflicts (2 of 4 stars). 2 submissions from 2 submitters: Uncertain significance (2). Last evaluated 2024-02-18.

Conditions:
Cardiovascular phenotype. Identifiers: MedGen CN230736.
Familial hypercholesterolemia. Also called: Familial hypercholesterolaemia. Identifiers: MedGen C0020445, MONDO:0005439.

Allele frequency attached by ClinVar (database versions not stated): gnomAD exomes below 0.00001.

Submissions (2):

Color Diagnostics, LLC DBA Color Health
Classification: Uncertain significance for Familial hypercholesterolemia. Last evaluated: 2024-02-18. Review status: criteria provided, single submitter. Criteria: ACMG Guidelines, 2015. Collection method: clinical testing. Allele origin: germline.
Comment: This missense variant replaces arginine with lysine at codon 414 of the PCSK9 protein. Computational prediction suggests that this variant may not impact protein structure and function (internally defined REVEL score threshold <= 0.5, PMID: 27666373). To our knowledge, functional studies have not been reported for this variant. This variant has not been reported in individuals affected with PCSK9-related disorders in the literature. This variant has been identified in 1/251236 chromosomes in the general population by the Genome Aggregation Database (gnomAD). The available evidence is insufficient to determine the role of this variant in disease conclusively. Therefore, this variant is classified as a Variant of Uncertain Significance.

Ambry Genetics
Classification: Uncertain significance for Cardiovascular phenotype. Last evaluated: 2022-05-24. Review status: criteria provided, single submitter. Criteria: Ambry Variant Classification Scheme 2023. Collection method: clinical testing. Allele origin: germline.
Comment: The p.R414K variant (also known as c.1241G>A), located in coding exon 8 of the PCSK9 gene, results from a G to A substitution at nucleotide position 1241. The arginine at codon 414 is replaced by lysine, an amino acid with highly similar properties. This amino acid position is conserved. In addition, this alteration is predicted to be tolerated by in silico analysis. Since supporting evidence is limited at this time, the clinical significance of this alteration remains unclear.

NM_174936.4(PCSK9):c.1241G>A (p.Arg414Lys)

Gene: PCSK9 (proprotein convertase subtilisin/kexin type 9; plus strand). Cytogenetic location: 1p32.3.
Variant type: single nucleotide variant.
Coding change: c.1241G>A on transcript NM_174936.4 (MANE Select); coding-DNA position 1241, G replaced by A.
Protein change: p.Arg414Lys; replaces arginine 414 with lysine.
Molecular consequence: missense variant.
Genome position (GRCh38, 1-based): chr1:55,058,096, G>A. VCF-style: chr1-55058096-G-A. GRCh37 (hg19) VCF-style: chr1-55523769-G-A.
Other names: c.1364G>A, p.Arg455Lys (NM_001407240.1); c.1241G>A, p.Arg414Lys (NM_001407241.1); c.1244G>A, p.Arg415Lys (NM_001407242.1); c.1184G>A, p.Arg395Lys (NM_001407243.1); c.1049G>A, p.Arg350Lys (NM_001407245.1); c.866G>A, p.Arg289Lys (NM_001407246.1); short protein forms R415K, R395K, R289K, R455K, R350K, R414K.
Identifiers: ClinVar variation 1758468 (VCV001758468.3), dbSNP rs1420843927, ClinGen allele CA340477178.